The following is an entry in ClinVar:

ClinVar aggregate classification (germline): Pathogenic (1 of 4 stars; one submission).

Conditions:
Hereditary hemorrhagic telangiectasia (HHT). Also called: ORW DISEASE; Osler Weber Rendu syndrome; OSLER-RENDU-WEBER DISEASE; Osler hemorrhagic telangiectasia syndrome. Identifiers: Orphanet 774, MedGen C0039445, MONDO:0019180. Disease mechanism: loss of function.

Submission:

Labcorp Genetics (formerly Invitae), Labcorp
Classification: Pathogenic for Hereditary hemorrhagic telangiectasia. Last evaluated: 2024-06-08. Review status: criteria provided, single submitter. Criteria: Invitae Variant Classification Sherloc (09022015). Collection method: clinical testing. Allele origin: germline.
Comment: This sequence change creates a premature translational stop signal (p.Leu194Hisfs*141) in the ENG gene. It is expected to result in an absent or disrupted protein product. Loss-of-function variants in ENG are known to be pathogenic (PMID: 15879500). This variant is not present in population databases (gnomAD no frequency). This premature translational stop signal has been observed in individual(s) with hereditary hemorrhagic telangiectasia (PMID: 10625079). This variant is also known as GACA insertion at position 574 and CGCA insertion, FS at 561. For these reasons, this variant has been classified as Pathogenic.

Literature cited by the submitters: PubMed 15879500; PubMed 10625079.

NM_001114753.3(ENG):c.577_580dup (p.Leu194fs)

Gene: ENG (endoglin; minus strand). Cytogenetic location: 9q34.11.
Variant type: Duplication.
Coding change: c.577_580dup on transcript NM_001114753.3 (MANE Select); coding-DNA positions 577 to 580, 4 bases duplicated (ACGC; older notation c.577_580dupACGC).
Protein change: p.Leu194fs; shifts the reading frame from leucine 194.
Molecular consequence: frameshift variant.
Genome position (GRCh38, 1-based): chr9:127,825,804-127,825,807, GCGT duplicated on the plus strand (ACGC on the coding strand, the reverse complement: ENG is on the minus strand); duplicating any 4 consecutive bases within chr9:127,825,804-127,825,810 gives the same sequence; the c. name uses the placement nearest the transcript's 3' end. VCF-style (leftmost placement, unchanged base first): chr9-127825803-A-AGCGT. GRCh37 (hg19) VCF-style: chr9-130588082-A-AGCGT.
Other names: c.577_580dup, p.Leu194fs (NM_000118.4, NM_001406715.1); c.31_34dup, p.Leu12fs (NM_001278138.2); short protein forms L12fs, L194fs.
Identifiers: ClinVar variation 3720909 (VCV003720909.2).